The following is an entry in ClinVar:

ClinVar aggregate classification (germline): Uncertain significance. Review status: criteria provided, multiple submitters, no conflicts (2 of 4 stars). 3 submissions from 3 submitters: Uncertain significance (3). Last evaluated 2024-04-04.

Conditions:
Saldino-Mainzer syndrome (SRTD9). Also called: CONORENAL SYNDROME; SHORT-RIB THORACIC DYSPLASIA 9 WITHOUT POLYDACTYLY; Renal dysplasia, retinal pigmentary dystrophy, cerebellar ataxia and skeletal dysplasia; short-rib thoracic dysplasia 9 with or without polydactyly. Identifiers: Orphanet 140969, MedGen C1849437, MONDO:0009964, OMIM 266920.

Allele frequency attached by ClinVar (database versions not stated): ExAC 0.00001; gnomAD 0.00001; gnomAD exomes 0.00001; TOPMed 0.00002; ESP Exome Variant Server 0.00008.
gnomAD v4.1: 22 of 1,614,020 alleles (0.0014%); highest among the groups gnomAD compares: East Asian, 0.0022%; no homozygotes.

Submissions (3):

Women's Health and Genetics/Laboratory Corporation of America, LabCorp
Classification: Uncertain significance. Last evaluated: 2024-04-04. Review status: criteria provided, single submitter. Criteria: LabCorp Variant Classification Summary - May 2015. Collection method: clinical testing. Allele origin: germline.
Comment: Variant summary: IFT140 c.2303G>A (p.Cys768Tyr) results in a non-conservative amino acid change in the encoded protein sequence. Five of five in-silico tools predict a damaging effect of the variant on protein function. The variant allele was found at a frequency of 1.2e-05 in 251496 control chromosomes (gnomAD). The available data on variant occurrences in the general population are insufficient to allow any conclusion about variant significance. c.2303G>A has been reported in the literature in at-least one individual affected with Congenital heart disease (example: Jin_2017). This report does not provide unequivocal conclusions about association of the variant with Retinitis Pigmentosa. To our knowledge, no experimental evidence demonstrating an impact on protein function has been reported. The following publication has been ascertained in the context of this evaluation (PMID: 28991257). ClinVar contains an entry for this variant (Variation ID: 846682). Based on the evidence outlined above, the variant was classified as uncertain significance.

Blueprint Genetics
Classification: Uncertain significance. Last evaluated: 2024-02-02. Review status: criteria provided, single submitter. Criteria: ACMG Guidelines, 2015. Collection method: clinical testing. Allele origin: germline.

Labcorp Genetics (formerly Invitae), Labcorp
Classification: Uncertain significance for Saldino-Mainzer syndrome. Last evaluated: 2019-11-18. Review status: criteria provided, single submitter. Criteria: Invitae Variant Classification Sherloc (09022015). Collection method: clinical testing. Allele origin: germline.
Comment: In summary, the available evidence is currently insufficient to determine the role of this variant in disease. Therefore, it has been classified as a Variant of Uncertain Significance. Algorithms developed to predict the effect of missense changes on protein structure and function are either unavailable or do not agree on the potential impact of this missense change (SIFT: "Deleterious"; PolyPhen-2: "Possibly Damaging"; Align-GVGD: "Class C0"). This variant has been observed in individual(s) with congenital heart disease (PMID: 28991257). This variant is present in population databases (rs145283562, ExAC 0.001%). This sequence change replaces cysteine with tyrosine at codon 768 of the IFT140 protein (p.Cys768Tyr). The cysteine residue is highly conserved and there is a large physicochemical difference between cysteine and tyrosine.

Literature cited by the submitters: PubMed 28991257 (cited by Women's Health and Genetics/Laboratory Corporation of America, LabCorp and Labcorp Genetics (formerly Invitae), Labcorp).

NM_014714.4(IFT140):c.2303G>A (p.Cys768Tyr)

Gene: IFT140 (intraflagellar transport 140; minus strand). Cytogenetic location: 16p13.3.
Variant type: single nucleotide variant.
Coding change: c.2303G>A on transcript NM_014714.4 (MANE Select); coding-DNA position 2303, G replaced by A.
Protein change: p.Cys768Tyr; replaces cysteine 768 with tyrosine.
Molecular consequence: missense variant.
Genome position (GRCh38, 1-based): chr16:1,558,031, C>T on the plus strand (G>A on the coding strand, the complement: IFT140 is on the minus strand). VCF-style: chr16-1558031-C-T. GRCh37 (hg19) VCF-style: chr16-1608032-C-T.
Other names: short protein forms C768Y.
Identifiers: ClinVar variation 846682 (VCV000846682.9), dbSNP rs145283562, ClinGen allele CA7813946.